The following is an entry in ClinVar:

ClinVar aggregate classification (germline): Uncertain significance (1 of 4 stars; one submission).

Submission:

Labcorp Genetics (formerly Invitae), Labcorp
Classification: Uncertain significance. Last evaluated: 2023-11-27. Review status: criteria provided, single submitter. Criteria: Invitae Variant Classification Sherloc (09022015). Collection method: clinical testing. Allele origin: germline.
Comment: This sequence change creates a premature translational stop signal (p.Pro1283Argfs*2) in the GPR179 gene. While this is not anticipated to result in nonsense mediated decay, it is expected to disrupt the last 1085 amino acid(s) of the GPR179 protein. This variant is not present in population databases (gnomAD no frequency). This variant has not been reported in the literature in individuals affected with GPR179-related conditions. ClinVar contains an entry for this variant (Variation ID: 1946605). In summary, the available evidence is currently insufficient to determine the role of this variant in disease. Therefore, it has been classified as a Variant of Uncertain Significance.

NM_001004334.4(GPR179):c.3847_3848del (p.Pro1283fs)

Gene: GPR179 (G protein-coupled receptor 179; minus strand). Cytogenetic location: 17q12.
Variant type: Deletion.
Coding change: c.3847_3848del on transcript NM_001004334.4 (MANE Select); coding-DNA positions 3847 to 3848, 2 bases deleted (CC; older notation c.3847_3848delCC).
Protein change: p.Pro1283fs; shifts the reading frame from proline 1283.
Molecular consequence: frameshift variant.
Genome position (GRCh38, 1-based): chr17:38,329,721-38,329,722, GG deleted on the plus strand (CC on the coding strand, the reverse complement: GPR179 is on the minus strand); deleting any 2 consecutive bases within chr17:38,329,721-38,329,723 gives the same sequence; the c. name uses the placement nearest the transcript's 3' end. VCF-style (leftmost placement, unchanged base first): chr17-38329720-TGG-T. GRCh37 (hg19) VCF-style: chr17-36485603-TGG-T.
Other names: short protein forms P1283fs.
Identifiers: ClinVar variation 1946605 (VCV001946605.5), dbSNP rs748647695, ClinGen allele CA771682883.